The following is an entry in ClinVar:

NM_014727.3(KMT2B):c.698G>A (p.Arg233Lys)

Gene: KMT2B (lysine methyltransferase 2B; plus strand). Cytogenetic location: 19q13.12.
Variant type: single nucleotide variant.
Coding change: c.698G>A on transcript NM_014727.3 (MANE Select); coding-DNA position 698, G replaced by A.
Protein change: p.Arg233Lys; replaces arginine 233 with lysine.
Molecular consequence: missense variant.
Genome position (GRCh38, 1-based): chr19:35,720,045, G>A. VCF-style: chr19-35720045-G-A. GRCh37 (hg19) VCF-style: chr19-36210947-G-A.
Other names: short protein forms R233K.
Identifiers: ClinVar variation 2893798 (VCV002893798.3), dbSNP rs1969121168, ClinGen allele CA405380346.

ClinVar aggregate classification (germline): Uncertain significance (1 of 4 stars; one submission).

Allele frequency attached by ClinVar (database versions not stated): TOPMed 0.00002.

Submission:

Labcorp Genetics (formerly Invitae), Labcorp
Classification: Uncertain significance. Last evaluated: 2025-01-23. Review status: criteria provided, single submitter. Criteria: Invitae Variant Classification Sherloc (09022015). Collection method: clinical testing. Allele origin: germline.
Comment: This sequence change replaces arginine, which is basic and polar, with lysine, which is basic and polar, at codon 233 of the KMT2B protein (p.Arg233Lys). This variant is not present in population databases (gnomAD no frequency). This variant has not been reported in the literature in individuals affected with KMT2B-related conditions. ClinVar contains an entry for this variant (Variation ID: 2893798). Invitae Evidence Modeling of protein sequence and biophysical properties (such as structural, functional, and spatial information, amino acid conservation, physicochemical variation, residue mobility, and thermodynamic stability) indicates that this missense variant is not expected to disrupt KMT2B protein function with a negative predictive value of 95%. In summary, the available evidence is currently insufficient to determine the role of this variant in disease. Therefore, it has been classified as a Variant of Uncertain Significance.